The following is an entry in ClinVar:

NM_000489.6(ATRX):c.5787-24GTTT[3]

Gene: ATRX (ATRX chromatin remodeler; minus strand). Cytogenetic location: Xq21.1.
Variant type: Microsatellite.
Coding change: c.5787-24GTTT[3] on transcript NM_000489.6 (MANE Select); three copies in a row of the 4-base unit GTTT starting at c.5787-24; the reference has five copies in a row; two copies, 8 bases deleted.
Molecular consequence: intron variant.
Genome position (GRCh38, 1-based): chrX:77,599,585-77,599,592, AAACAAAC deleted on the plus strand (GTTTGTTT on the coding strand, the reverse complement: ATRX is on the minus strand); deleting any 8 consecutive bases within chrX:77,599,585-77,599,607 gives the same sequence; the position shown is the placement nearest the transcript's 3' end. VCF-style (leftmost placement, unchanged base first): chrX-77599584-AAAACAAAC-A. GRCh37 (hg19) VCF-style: chrX-76855053-AAAACAAAC-A.
Other names: c.5787-12_5787-5del8 (NM_000489.4); c.5673-24GTTT[3] (NM_138270.5).
Identifiers: ClinVar variation 1585420 (VCV001585420.10), dbSNP rs782072699, ClinGen allele CA643006444.

ClinVar aggregate classification (germline): Likely benign. Review status: criteria provided, single submitter (1 of 4 stars). 2 submissions from 2 submitters: Likely benign (1). 1 of the submissions does not count toward it. Last evaluated 2023-08-17.

Conditions:
ATRX-related disorder. Also called: ATRX-related condition.
Alpha thalassemia-X-linked intellectual disability syndrome (ATRX). Also called: X-linked alpha-thalassemia-mental retardation syndrome; ALPHA-THALASSEMIA/MENTAL RETARDATION SYNDROME, X-LINKED; ATR, NONDELETION TYPE; ATR-X syndrome; Alpha thalassemia mental retardation syndrome, nondeletion type, X-linked; XLMR hypotonic face syndrome. Identifiers: Orphanet 847, MedGen C1845055, MONDO:0010519, OMIM 301040.

Submissions (2):

Labcorp Genetics (formerly Invitae), Labcorp
Classification: Likely benign for Alpha thalassemia-X-linked intellectual disability syndrome. Last evaluated: 2023-08-17. Review status: criteria provided, single submitter. Criteria: Invitae Variant Classification Sherloc (09022015). Collection method: clinical testing. Allele origin: germline.

PreventionGenetics, part of Exact Sciences
Classification: Likely benign for ATRX-related condition. Last evaluated: 2021-02-16. Review status: no assertion criteria provided. Collection method: clinical testing. Allele origin: germline. Not counted in ClinVar's aggregate classification.
Comment: This variant is classified as likely benign based on ACMG/AMP sequence variant interpretation guidelines (Richards et al. 2015 PMID: 25741868, with internal and published modifications).